The following is an entry in ClinVar:

NM_000051.4(ATM):c.6519T>G (p.Leu2173=)

Genes: C11orf65 (chromosome 11 open reading frame 65; minus strand), ATM (ATM serine/threonine kinase; plus strand). Cytogenetic location: 11q22.3.
Variant type: single nucleotide variant.
Coding change: c.6519T>G on transcript NM_000051.4 (MANE Select); coding-DNA position 6519, T replaced by G.
Protein change: p.Leu2173=; no amino-acid change (leucine 2173 retained).
Molecular consequence: synonymous variant. On other transcripts: intron variant (2).
Genome position (GRCh38, 1-based): chr11:108,321,367, T>G. VCF-style: chr11-108321367-T-G. GRCh37 (hg19) VCF-style: chr11-108192094-T-G.
Other names: c.6519T>G, p.Leu2173= (NM_001351834.2); c.641-12296A>C (NM_001330368.2); c.*39-12296A>C (NM_001351110.2).
Identifiers: ClinVar variation 1110000 (VCV001110000.10), dbSNP rs2136240892, ClinGen allele CA476676198.
Genomic context (GRCh38, chr11:108,321,367, plus strand): 5'-AGAAGTGGAAGAGATGTGTAAGCGCAGCCTTGAGTCTGTGTATTCGCTCTATCCCACACT[T>G]AGCAGGTTGCAGGCCATTGGAGAGCTGGAAAGCATTGGGGAGCTTTTCTCAAGGTATGTA-3'
Protein context (NP_000042.3, residues 2163-2183): LESVYSLYPT[Leu2173=]SRLQAIGELE

ClinVar aggregate classification (germline): Benign/Likely benign. Review status: criteria provided, multiple submitters, no conflicts (2 of 4 stars). 2 submissions from 2 submitters: Benign (1); Likely benign (1). Last evaluated 2024-11-05.

Conditions:
Ataxia-telangiectasia syndrome (AT). Also called: Ataxia telangiectasia (A-T); ATAXIA-TELANGIECTASIA, COMPLEMENTATION GROUP A; ATAXIA-TELANGIECTASIA, FRESNO VARIANT; Ataxia-telangiectasia; Ataxia-telangiectasia, complementation group E; LOUIS-BAR SYNDROME. Identifiers: Orphanet 100, MedGen C0004135, MONDO:0008840, OMIM 208900.
Familial cancer of breast. Also called: Hereditary breast cancer; hereditary breast carcinoma; BREAST CANCER, FAMILIAL. Identifiers: Orphanet 227535, MedGen C0346153, MONDO:0016419, OMIM 114480. Disease mechanism: loss of function.

Submissions (2):

Labcorp Genetics (formerly Invitae), Labcorp
Classification: Likely benign for Ataxia-telangiectasia syndrome. Last evaluated: 2024-11-05. Review status: criteria provided, single submitter. Criteria: Invitae Variant Classification Sherloc (09022015). Collection method: clinical testing. Allele origin: germline.

Myriad Genetics, Inc.
Classification: Benign for Familial cancer of breast. Last evaluated: 2024-06-06. Review status: criteria provided, single submitter. Criteria: Myriad Autosomal Dominant, Autosomal Recessive and X-Linked Classification Criteria (2023). Collection method: clinical testing. Allele origin: unknown.
Comment: This variant is considered benign. This variant is a silent/synonymous amino acid change and it is not expected to impact splicing.